The following is an entry in ClinVar:

NM_006031.6(PCNT):c.3313-5G>C

Gene: PCNT (pericentrin; plus strand). Cytogenetic location: 21q22.3.
Variant type: single nucleotide variant.
Coding change: c.3313-5G>C on transcript NM_006031.6 (MANE Select); 5 bases into the intron before coding-DNA position 3313, G replaced by C.
Molecular consequence: intron variant.
Genome position (GRCh38, 1-based): chr21:46,385,827, G>C. VCF-style: chr21-46385827-G-C. GRCh37 (hg19) VCF-style: chr21-47805742-G-C.
Other names: c.3313-5G>C (NM_006031.5); c.2959-5G>C (NM_001315529.2).
Identifiers: ClinVar variation 2968648 (VCV002968648.5), dbSNP rs566658375, ClinGen allele CA322022985.

ClinVar aggregate classification (germline): Likely benign. Review status: criteria provided, single submitter (1 of 4 stars). 2 submissions from 2 submitters: Likely benign (1). 1 of the submissions does not count toward it. Last evaluated 2025-04-14.

Conditions:
PCNT-related disorder. Also called: PCNT-related condition.

Allele frequency attached by ClinVar (database versions not stated): 1000 Genomes Project 30x 0.00016; 1000 Genomes Project 0.00020.
gnomAD v4.1: 4 of 1,614,162 alleles (0.00025%); highest among the groups gnomAD compares: Admixed American, 0.005%; no homozygotes.

Submissions (2):

Labcorp Genetics (formerly Invitae), Labcorp
Classification: Likely benign. Last evaluated: 2025-04-14. Review status: criteria provided, single submitter. Criteria: Invitae Variant Classification Sherloc (09022015). Collection method: clinical testing. Allele origin: germline.

PreventionGenetics, part of Exact Sciences
Classification: Likely benign for PCNT-related condition. Last evaluated: 2023-07-24. Review status: no assertion criteria provided. Collection method: clinical testing. Allele origin: germline. Not counted in ClinVar's aggregate classification.
Comment: This variant is classified as likely benign based on ACMG/AMP sequence variant interpretation guidelines (Richards et al. 2015 PMID: 25741868, with internal and published modifications).